The following is an entry in ClinVar:

NC_000023.11:g.18598477_18598478insTTCAGCAAAGTCTCAGGATACAAAATCAATGTACAAAAATCACAAGCATTCTTATACACCAACAACAGACAAACNNNNNNNNNNAAAAAAAAAAAAAAAAAAAAAAGAATTTACTGAAGTTGG

Gene: CDKL5 (cyclin dependent kinase like 5; plus strand). Cytogenetic location: Xp22.13.
Variant type: Insertion.
Genome position: GRCh38: chrX:18,598,477-18,598,478. GRCh37 (hg19): chrX:18,616,597-18,616,598.
Identifiers: ClinVar variation 2032099 (VCV002032099.4).

ClinVar aggregate classification (germline): Pathogenic (1 of 4 stars; one submission).

Conditions:
Developmental and epileptic encephalopathy, 2 (DEE2). Also called: INFANTILE SPASM SYNDROME, X-LINKED 2; CDKL5 deficiency disorder. Identifiers: Orphanet 1934, Orphanet 3451, Orphanet 505652, MedGen C4750718, MONDO:0010396, OMIM 300672.
Angelman syndrome-like. Identifiers: MedGen CN128785.

Submission:

Labcorp Genetics (formerly Invitae), Labcorp
Classification: Pathogenic for Developmental and epileptic encephalopathy, 2; Angelman syndrome-like. Last evaluated: 2021-12-03. Review status: criteria provided, single submitter. Criteria: Invitae Variant Classification Sherloc (09022015). Collection method: clinical testing. Allele origin: germline.
Comment: Retrotransposon insertions including LINE1 (L1), Alu, and SVA (SINE-VNTR-Alu) have been reported to be disease-causing through disruption of either a coding region or splice site (PMID: 19763152, 20307669, 22406018) and loss-of-function variants in CDKL5 are known to be pathogenic (PMID: 22872100). For these reasons, this variant has been classified as Pathogenic. This sequence change inserts a large fragment of DNA, likely a transposable element, in exon 11 of the CDKL5 gene (c.841_842ins?), causing a frameshift at codon 281 (p.Asp281fs). The exact size and sequence of the insertion cannot be determined by the current assay. However, the insertion is expected to result in an absent or disrupted protein product. This variant is not present in population databases (gnomAD no frequency). This variant has not been reported in the literature in individuals affected with CDKL5-related conditions. Algorithms developed to predict the effect of sequence changes on RNA splicing suggest that this variant may create or strengthen a splice site.

Literature cited by the submitters: PubMed 19763152; PubMed 20307669; PubMed 22406018; PubMed 22872100.